The following is an entry in ClinVar:

NM_001384474.1(LOXHD1):c.4740+5G>T

Gene: LOXHD1 (lipoxygenase homology PLAT domains 1; minus strand). Cytogenetic location: 18q21.1.
Variant type: single nucleotide variant.
Coding change: c.4740+5G>T on transcript NM_001384474.1 (MANE Select); 5 bases into the intron after coding-DNA position 4740, G replaced by T.
Molecular consequence: intron variant.
Genome position (GRCh38, 1-based): chr18:46,524,703, C>A on the plus strand (G>T on the coding strand, the complement: LOXHD1 is on the minus strand). VCF-style: chr18-46524703-C-A. GRCh37 (hg19) VCF-style: chr18-44104666-C-A.
Other names: c.1407+5G>T (NM_001145472.3); c.1119+5G>T (NM_001308013.2); c.4740+5G>T (NM_144612.7).
Identifiers: ClinVar variation 3730013 (VCV003730013.1).
Genomic context (GRCh38, chr18:46,524,703, plus strand): 5'-TCCACCTCGAGGGACCTCCCCTAGGCATGAGGATGGCCACAGGCCCTATATACCCCTTGG[C>A]TCACCTTCTCGTAAAAGAGCCTCTCGAGTCGCCCATCCTCCTTCTTCAGGGAGAGCCAGC-3'

ClinVar aggregate classification (germline): Uncertain significance (1 of 4 stars; one submission).

gnomAD v4.1: 21 of 1,551,636 alleles (0.0014%); highest among the groups gnomAD compares: Admixed American, 0.002%; no homozygotes.

Submission:

Labcorp Genetics (formerly Invitae), Labcorp
Classification: Uncertain significance. Last evaluated: 2024-11-08. Review status: criteria provided, single submitter. Criteria: Invitae Variant Classification Sherloc (09022015). Collection method: clinical testing. Allele origin: germline.
Comment: This sequence change falls in intron 30 of the LOXHD1 gene. It does not directly change the encoded amino acid sequence of the LOXHD1 protein. It affects a nucleotide within the consensus splice site. This variant is present in population databases (rs750892512, gnomAD 0.01%). This variant has not been reported in the literature in individuals affected with LOXHD1-related conditions. Variants that disrupt the consensus splice site are a relatively common cause of aberrant splicing (PMID: 17576681, 9536098). Algorithms developed to predict the effect of sequence changes on RNA splicing suggest that this variant is not likely to affect RNA splicing. In summary, the available evidence is currently insufficient to determine the role of this variant in disease. Therefore, it has been classified as a Variant of Uncertain Significance.

Literature cited by the submitters: PubMed 17576681; PubMed 9536098.